The following is an entry in ClinVar:

NM_004706.4(ARHGEF1):c.220C>A (p.Pro74Thr)

Gene: ARHGEF1 (Rho guanine nucleotide exchange factor 1; plus strand). Cytogenetic location: 19q13.2.
Variant type: single nucleotide variant.
Coding change: c.220C>A on transcript NM_004706.4 (MANE Select); coding-DNA position 220, C replaced by A.
Protein change: p.Pro74Thr; replaces proline 74 with threonine.
Molecular consequence: missense variant. On other transcripts: non-coding transcript variant (2).
Genome position (GRCh38, 1-based): chr19:41,888,860, C>A. VCF-style: chr19-41888860-C-A. GRCh37 (hg19) VCF-style: chr19-42392931-C-A.
Other names: c.220C>A, p.Pro74Thr (NM_001396000.1, NM_001396002.1, NM_001396003.1 and 3 more transcripts); c.265C>A, p.Pro89Thr (NM_199002.2); short protein forms P74T, P89T.
Identifiers: ClinVar variation 2987170 (VCV002987170.3), dbSNP rs146097065, ClinGen allele CA308581007.

ClinVar aggregate classification (germline): Uncertain significance (1 of 4 stars; one submission).

Allele frequency attached by ClinVar (database versions not stated): gnomAD exomes below 0.00001; ESP Exome Variant Server 0.00008.
gnomAD v4.1: 3 of 1,613,492 alleles (0.00019%); highest among the groups gnomAD compares: Non-Finnish European, 0.00025%; no homozygotes.

Submission:

Labcorp Genetics (formerly Invitae), Labcorp
Classification: Uncertain significance. Last evaluated: 2023-11-17. Review status: criteria provided, single submitter. Criteria: Invitae Variant Classification Sherloc (09022015). Collection method: clinical testing. Allele origin: germline.
Comment: This sequence change replaces proline, which is neutral and non-polar, with threonine, which is neutral and polar, at codon 89 of the ARHGEF1 protein (p.Pro89Thr). This variant is not present in population databases (gnomAD no frequency). This variant has not been reported in the literature in individuals affected with ARHGEF1-related conditions. An algorithm developed to predict the effect of missense changes on protein structure and function (PolyPhen-2) suggests that this variant is likely to be disruptive. In summary, the available evidence is currently insufficient to determine the role of this variant in disease. Therefore, it has been classified as a Variant of Uncertain Significance.